The following is an entry in ClinVar:

ClinVar aggregate classification (germline): Uncertain significance. Review status: criteria provided, multiple submitters, no conflicts (2 of 4 stars). 3 submissions from 3 submitters: Uncertain significance (3). Last evaluated 2021-07-27.

Conditions:
ALG9 congenital disorder of glycosylation (CDG1L). Also called: CONGENITAL DISORDER OF GLYCOSYLATION, TYPE Il; CDG Il; ALG9-CDG. Identifiers: Orphanet 79328, MedGen C2931006, MONDO:0012117, OMIM 608776.
Gillessen-Kaesbach-Nishimura syndrome (GIKANIS). Identifiers: MedGen C1849762, MONDO:0009890, OMIM 263210.
Inborn genetic diseases. Identifiers: MedGen C0950123, MeSH D030342.

Allele frequency attached by ClinVar (database versions not stated): gnomAD exomes below 0.00001; gnomAD 0.00001; TOPMed 0.00001.
gnomAD v4.1: 2 of 1,613,888 alleles (0.00012%); highest among the groups gnomAD compares: Admixed American, 0.0017%; no homozygotes.

Submissions (3):

Fulgent Genetics
Classification: Uncertain significance for Gillessen-Kaesbach-Nishimura syndrome; ALG9 congenital disorder of glycosylation. Last evaluated: 2021-07-27. Review status: criteria provided, single submitter. Criteria: ACMG Guidelines, 2015. Collection method: clinical testing. Allele origin: unknown.

Ambry Genetics
Classification: Uncertain significance for Inborn genetic diseases. Last evaluated: 2021-06-14. Review status: criteria provided, single submitter. Criteria: Ambry Variant Classification Scheme 2023. Collection method: clinical testing. Allele origin: germline.
Comment: The p.A218V variant (also known as c.653C>T), located in coding exon 6 of the ALG9 gene, results from a C to T substitution at nucleotide position 653. The alanine at codon 218 is replaced by valine, an amino acid with similar properties. This amino acid position is conserved. In addition, this alteration is predicted to be tolerated by in silico analysis. Since supporting evidence is limited at this time, the clinical significance of this alteration remains unclear.

Labcorp Genetics (formerly Invitae), Labcorp
Classification: Uncertain significance for ALG9 congenital disorder of glycosylation. Last evaluated: 2021-04-08. Review status: criteria provided, single submitter. Criteria: Invitae Variant Classification Sherloc (09022015). Collection method: clinical testing. Allele origin: germline.
Comment: In summary, the available evidence is currently insufficient to determine the role of this variant in disease. Therefore, it has been classified as a Variant of Uncertain Significance. Algorithms developed to predict the effect of missense changes on protein structure and function are either unavailable or do not agree on the potential impact of this missense change (SIFT: "Not Available"; PolyPhen-2: "Not Available"; Align-GVGD: "Not Available"). This variant has not been reported in the literature in individuals with ALG9-related conditions. This variant is not present in population databases (ExAC no frequency). This sequence change replaces alanine with valine at codon 389 of the ALG9 protein (p.Ala389Val). The alanine residue is moderately conserved and there is a small physicochemical difference between alanine and valine.

NM_024740.2(ALG9):c.1166C>T (p.Ala389Val)

Gene: ALG9 (ALG9 alpha-1,2-mannosyltransferase; minus strand). Cytogenetic location: 11q23.1.
Variant type: single nucleotide variant.
Coding change: c.1166C>T on transcript NM_024740.2 (MANE Select); coding-DNA position 1166, C replaced by T.
Protein change: p.Ala389Val; replaces alanine 389 with valine.
Molecular consequence: missense variant. On other transcripts: non-coding transcript variant (1).
Genome position (GRCh38, 1-based): chr11:111,840,662, G>A on the plus strand (C>T on the coding strand, the complement: ALG9 is on the minus strand). VCF-style: chr11-111840662-G-A. GRCh37 (hg19) VCF-style: chr11-111711385-G-A.
Other names: c.1166C>T, p.Ala389Val (NM_001077690.1, NM_001352417.1); c.653C>T, p.Ala218Val (NM_001077691.2, NM_001077692.2, NM_001352409.1 and 10 more transcripts); c.1043C>T, p.Ala348Val (NM_001352418.1); c.578C>T, p.Ala193Val (NM_001352422.2); c.530C>T, p.Ala177Val (NM_001352423.2); short protein forms A348V, A193V, A389V, A177V, A218V.
Identifiers: ClinVar variation 1042960 (VCV001042960.10), dbSNP rs1555122792, ClinGen allele CA382595502.
Genomic context (GRCh38, chr11:111,840,662, plus strand): 5'-TTATTTAATAAGTAAAAAAGAATGAGGCAGATACACTTCTCCCTGAAACTCACCTGAAGT[G>A]CAGAGAGAGCCACAGCGCCACAGAGACATATAAGTGGATACACAGGGAAAAGAAATCTCT-3'
Protein context (NP_079016.2, residues 379-399): ICLCGAVALS[Ala389Val]LQHSFLYFQK